The following is an entry in ClinVar:

NM_025179.4(PLXNA2):c.5352G>A (p.Thr1784=)

Gene: PLXNA2 (plexin A2; minus strand). Cytogenetic location: 1q32.2.
Variant type: single nucleotide variant.
Coding change: c.5352G>A on transcript NM_025179.4 (MANE Select); coding-DNA position 5352, G replaced by A.
Protein change: p.Thr1784=; no amino-acid change (threonine 1784 retained).
Molecular consequence: synonymous variant.
Genome position (GRCh38, 1-based): chr1:208,028,916, C>T on the plus strand (G>A on the coding strand, the complement: PLXNA2 is on the minus strand). VCF-style: chr1-208028916-C-T. GRCh37 (hg19) VCF-style: chr1-208202261-C-T.
Identifiers: ClinVar variation 3354456 (VCV003354456.2).

ClinVar aggregate classification (germline): Likely benign. Review status: criteria provided, single submitter (1 of 4 stars). 2 submissions from 2 submitters: Likely benign (1). 1 of the submissions does not count toward it. Last evaluated 2025-07-06.

Conditions:
PLXNA2-related disorder. Also called: PLXNA2-related condition.

gnomAD v4.1: 33 of 1,613,970 alleles (0.002%); highest among the groups gnomAD compares: African/African-American, 0.012%; no homozygotes.

Submissions (2):

Labcorp Genetics (formerly Invitae), Labcorp
Classification: Likely benign. Last evaluated: 2025-07-06. Review status: criteria provided, single submitter. Criteria: Invitae Variant Classification Sherloc (09022015). Collection method: clinical testing. Allele origin: germline.

PreventionGenetics, part of Exact Sciences
Classification: Likely benign for PLXNA2-related condition. Last evaluated: 2024-09-12. Review status: no assertion criteria provided. Collection method: clinical testing. Allele origin: germline. Not counted in ClinVar's aggregate classification.
Comment: This variant is classified as likely benign based on ACMG/AMP sequence variant interpretation guidelines (Richards et al. 2015 PMID: 25741868, with internal and published modifications).